The following is an entry in ClinVar:

ClinVar aggregate classification (germline): Uncertain significance (1 of 4 stars; one submission).

Conditions:
Early-infantile DEE. Also called: Ohtahara syndrome; Early infantile epileptic encephalopathy; Early infantile epileptic encephalopathy with suppression bursts. Identifiers: Orphanet 1934, MedGen C0393706, MONDO:0800491.

Submission:

Labcorp Genetics (formerly Invitae), Labcorp
Classification: Uncertain significance for Early-infantile DEE. Last evaluated: 2020-09-03. Review status: criteria provided, single submitter. Criteria: Invitae Variant Classification Sherloc (09022015). Collection method: clinical testing. Allele origin: germline.
Comment: Algorithms developed to predict the effect of missense changes on protein structure and function are either unavailable or do not agree on the potential impact of this missense change (SIFT: "Deleterious"; PolyPhen-2: "Possibly Damaging"; Align-GVGD: "Class C0"). This variant has not been reported in the literature in individuals with CACNA2D2-related conditions. This variant is not present in population databases (ExAC no frequency). This sequence change replaces asparagine with lysine at codon 588 of the CACNA2D2 protein (p.Asn588Lys). The asparagine residue is highly conserved and there is a moderate physicochemical difference between asparagine and lysine. In summary, the available evidence is currently insufficient to determine the role of this variant in disease. Therefore, it has been classified as a Variant of Uncertain Significance.

NM_006030.4(CACNA2D2):c.1764C>A (p.Asn588Lys)

Gene: CACNA2D2 (calcium voltage-gated channel auxiliary subunit alpha2delta 2; minus strand). Cytogenetic location: 3p21.31.
Variant type: single nucleotide variant.
Coding change: c.1764C>A on transcript NM_006030.4 (MANE Select); coding-DNA position 1764, C replaced by A.
Protein change: p.Asn588Lys; replaces asparagine 588 with lysine.
Molecular consequence: missense variant.
Genome position (GRCh38, 1-based): chr3:50,375,972, G>T on the plus strand (C>A on the coding strand, the complement: CACNA2D2 is on the minus strand). VCF-style: chr3-50375972-G-T. GRCh37 (hg19) VCF-style: chr3-50413403-G-T.
Other names: c.1764C>A, p.Asn588Lys (NM_001005505.3, NM_001174051.3); c.1557C>A, p.Asn519Lys (NM_001291101.1); short protein forms N588K, N519K.
Identifiers: ClinVar variation 1037950 (VCV001037950.6), dbSNP rs1704960688, ClinGen allele CA352924722.